The following is an entry in ClinVar:

NM_144670.6(A2ML1):c.4132A>G (p.Met1378Val)

Gene: A2ML1 (alpha-2-macroglobulin like 1; plus strand). Cytogenetic location: 12p13.31.
Variant type: single nucleotide variant.
Coding change: c.4132A>G on transcript NM_144670.6 (MANE Select); coding-DNA position 4132, A replaced by G.
Protein change: p.Met1378Val; replaces methionine 1378 with valine.
Molecular consequence: missense variant.
Genome position (GRCh38, 1-based): chr12:8,868,607, A>G. VCF-style: chr12-8868607-A-G. GRCh37 (hg19) VCF-style: chr12-9021203-A-G.
Other names: c.2659A>G, p.Met887Val (NM_001282424.3); short protein forms M1378V, M887V.
Identifiers: ClinVar variation 4745611 (VCV004745611.1).

ClinVar aggregate classification (germline): Uncertain significance (1 of 4 stars; one submission).

Submission:

Labcorp Genetics (formerly Invitae), Labcorp
Classification: Uncertain significance. Last evaluated: 2025-11-12. Review status: criteria provided, single submitter. Criteria: Invitae Variant Classification Sherloc (09022015). Collection method: clinical testing. Allele origin: germline.
Comment: This sequence change replaces methionine, which is neutral and non-polar, with valine, which is neutral and non-polar, at codon 1378 of the A2ML1 protein (p.Met1378Val). This variant is present in population databases (rs750402615, gnomAD 0.003%). This variant has not been reported in the literature in individuals affected with A2ML1-related conditions. An algorithm developed to predict the effect of missense changes on protein structure and function outputs the following: PolyPhen-2: "Benign". The valine amino acid residue is found in multiple mammalian species, which suggests that this missense change does not adversely affect protein function. In summary, the available evidence is currently insufficient to determine the role of this variant in disease. Therefore, it has been classified as a Variant of Uncertain Significance.